The following is an entry in ClinVar:

ClinVar aggregate classification (germline): Uncertain significance (1 of 4 stars; one submission).

Submission:

Labcorp Genetics (formerly Invitae), Labcorp
Classification: Uncertain significance. Last evaluated: 2022-03-13. Review status: criteria provided, single submitter. Criteria: Invitae Variant Classification Sherloc (09022015). Collection method: clinical testing. Allele origin: germline.
Comment: In summary, the available evidence is currently insufficient to determine the role of this variant in disease. Therefore, it has been classified as a Variant of Uncertain Significance. Algorithms developed to predict the effect of missense changes on protein structure and function are either unavailable or do not agree on the potential impact of this missense change (SIFT: "Deleterious"; PolyPhen-2: "Possibly Damaging"; Align-GVGD: "Class C0"). This sequence change replaces lysine, which is basic and polar, with glutamic acid, which is acidic and polar, at codon 240 of the TNNT3 protein (p.Lys240Glu). This variant is not present in population databases (gnomAD no frequency). This variant has not been reported in the literature in individuals affected with TNNT3-related conditions.

NM_006757.4(TNNT3):c.718A>G (p.Lys240Glu)

Gene: TNNT3 (troponin T3, fast skeletal type; plus strand). Cytogenetic location: 11p15.5.
Variant type: single nucleotide variant.
Coding change: c.718A>G on transcript NM_006757.4 (MANE Select); coding-DNA position 718, A replaced by G.
Protein change: p.Lys240Glu; replaces lysine 240 with glutamic acid.
Molecular consequence: missense variant. On other transcripts: intron variant (2).
Genome position (GRCh38, 1-based): chr11:1,936,999, A>G. VCF-style: chr11-1936999-A-G. GRCh37 (hg19) VCF-style: chr11-1958229-A-G.
Other names: c.712A>G, p.Lys238Glu (NM_001042781.3, NM_001367842.1); c.694A>G, p.Lys232Glu (NM_001042782.3, NM_001297646.2, NM_001367844.1 and 1 more transcripts); c.727A>G, p.Lys243Glu (NM_001363561.2, NM_001367847.1); c.751A>G, p.Lys251Glu (NM_001367846.1); c.715A>G, p.Lys239Glu (NM_001367848.1); c.706A>G, p.Lys236Glu (NM_001367849.1); c.661A>G, p.Lys221Glu (NM_001367850.1); c.514A>G, p.Lys172Glu (NM_001367851.1, NM_001367852.1); and 2 more; short protein forms K232E, K236E, K239E, K172E, K221E, K243E, K238E, K240E.
Identifiers: ClinVar variation 2110889 (VCV002110889.4), dbSNP rs2495051291, ClinGen allele CA379100162.